The following is an entry in ClinVar:

ClinVar aggregate classification (germline): Uncertain significance (1 of 4 stars; one submission).

Conditions:
Progressive familial heart block type IB (PFHB1B). Identifiers: Orphanet 871, MedGen C1970298, MONDO:0011474, OMIM 604559.

gnomAD v4.1: 1 of 1,583,462 alleles (0.000063%); highest among the groups gnomAD compares: Non-Finnish European, 0.000086%; no homozygotes.

Submission:

Labcorp Genetics (formerly Invitae), Labcorp
Classification: Uncertain significance for Progressive familial heart block type IB. Last evaluated: 2022-02-10. Review status: criteria provided, single submitter. Criteria: Invitae Variant Classification Sherloc (09022015). Collection method: clinical testing. Allele origin: germline.
Comment: This variant is not present in population databases (gnomAD no frequency). This sequence change replaces proline, which is neutral and non-polar, with arginine, which is basic and polar, at codon 1210 of the TRPM4 protein (p.Pro1210Arg). In summary, the available evidence is currently insufficient to determine the role of this variant in disease. Therefore, it has been classified as a Variant of Uncertain Significance. Algorithms developed to predict the effect of missense changes on protein structure and function are either unavailable or do not agree on the potential impact of this missense change (SIFT: "Tolerated"; PolyPhen-2: "Possibly Damaging"; Align-GVGD: "Class C0"). This variant has not been reported in the literature in individuals affected with TRPM4-related conditions.

NM_017636.4(TRPM4):c.3629C>G (p.Pro1210Arg)

Gene: TRPM4 (transient receptor potential cation channel subfamily M member 4; plus strand). Cytogenetic location: 19q13.33.
Variant type: single nucleotide variant.
Coding change: c.3629C>G on transcript NM_017636.4 (MANE Select); coding-DNA position 3629, C replaced by G.
Protein change: p.Pro1210Arg; replaces proline 1210 with arginine.
Molecular consequence: missense variant.
Genome position (GRCh38, 1-based): chr19:49,211,258, C>G. VCF-style: chr19-49211258-C-G. GRCh37 (hg19) VCF-style: chr19-49714515-C-G.
Other names: c.3194C>G, p.Pro1065Arg (NM_001195227.2); c.3284C>G, p.Pro1095Arg (NM_001321281.2); c.2021C>G, p.Pro674Arg (NM_001321282.2); c.3107C>G, p.Pro1036Arg (NM_001321283.2); c.2567C>G, p.Pro856Arg (NM_001321285.2); short protein forms P1210R, P674R, P1036R, P1065R, P1095R, P856R.
Identifiers: ClinVar variation 1524364 (VCV001524364.6), dbSNP rs2146000515, ClinGen allele CA406773895.